The following is an entry in ClinVar:

NM_024675.4(PALB2):c.3380G>A (p.Cys1127Tyr)

Gene: PALB2 (partner and localizer of BRCA2; minus strand). Cytogenetic location: 16p12.2.
Variant type: single nucleotide variant.
Coding change: c.3380G>A on transcript NM_024675.4 (MANE Select); coding-DNA position 3380, G replaced by A.
Protein change: p.Cys1127Tyr; replaces cysteine 1127 with tyrosine.
Molecular consequence: missense variant.
Genome position (GRCh38, 1-based): chr16:23,603,640, C>T on the plus strand (G>A on the coding strand, the complement: PALB2 is on the minus strand). VCF-style: chr16-23603640-C-T. GRCh37 (hg19) VCF-style: chr16-23614961-C-T.
Other names: c.3320G>A, p.Cys1107Tyr (NM_001407296.1); c.3308G>A, p.Cys1103Tyr (NM_001407297.1); c.3218G>A, p.Cys1073Tyr (NM_001407298.1); c.3143G>A, p.Cys1048Tyr (NM_001407299.1); c.3101G>A, p.Cys1034Tyr (NM_001407300.1); c.*15G>A (NM_001407301.1, NM_001407302.1, NM_001407310.1 and 2 more transcripts); c.2495G>A, p.Cys832Tyr (NM_001407304.1, NM_001407305.1, NM_001407306.1); c.2333G>A, p.Cys778Tyr (NM_001407307.1); and 3 more; short protein forms C1048Y, C1073Y, C753Y, C778Y, C305Y, C531Y, C1107Y, C832Y.
Identifiers: ClinVar variation 1730821 (VCV001730821.6), dbSNP rs759944815, ClinGen allele CA7963345.

ClinVar aggregate classification (germline): Conflicting classifications of pathogenicity. Review status: criteria provided, conflicting classifications (1 of 4 stars). 2 submissions from 2 submitters: Uncertain significance (1); Likely benign (1). Last evaluated 2025-10-18.

Conditions:
Hereditary cancer-predisposing syndrome. Also called: Neoplastic Syndromes, Hereditary; Tumor predisposition; Hereditary Cancer Syndrome; Hereditary neoplastic syndrome. Identifiers: Orphanet 140162, MedGen C0027672, MeSH D009386, MONDO:0015356.
Familial cancer of breast. Also called: BREAST CANCER, FAMILIAL; Hereditary breast cancer; hereditary breast carcinoma. Identifiers: Orphanet 227535, MedGen C0346153, MONDO:0016419, OMIM 114480. Disease mechanism: loss of function.

Allele frequency attached by ClinVar (database versions not stated): gnomAD exomes below 0.00001; ExAC 0.00001.
gnomAD v4.1: 2 of 1,613,384 alleles (0.00012%); highest among the groups gnomAD compares: South Asian, 0.0022%; no homozygotes.

Submissions (2):

Labcorp Genetics (formerly Invitae), Labcorp
Classification: Uncertain significance for Familial cancer of breast. Last evaluated: 2025-10-18. Review status: criteria provided, single submitter. Criteria: Invitae Variant Classification Sherloc (09022015). Collection method: clinical testing. Allele origin: germline.
Comment: This sequence change replaces cysteine, which is neutral and slightly polar, with tyrosine, which is neutral and polar, at codon 1127 of the PALB2 protein (p.Cys1127Tyr). This variant is present in population databases (rs759944815, gnomAD 0.003%). This variant has not been reported in the literature in individuals affected with PALB2-related conditions. ClinVar contains an entry for this variant (Variation ID: 1730821). An algorithm developed to predict the effect of missense changes on protein structure and function (PolyPhen-2) suggests that this variant is likely to be tolerated. In summary, the available evidence is currently insufficient to determine the role of this variant in disease. Therefore, it has been classified as a Variant of Uncertain Significance.

Ambry Genetics
Classification: Likely benign for Hereditary cancer-predisposing syndrome. Last evaluated: 2024-08-16. Review status: criteria provided, single submitter. Criteria: Ambry Variant Classification Scheme 2023. Collection method: clinical testing. Allele origin: germline.